The following is an entry in ClinVar:

ClinVar aggregate classification (germline): Pathogenic (1 of 4 stars; one submission).

Submission:

Labcorp Genetics (formerly Invitae), Labcorp
Classification: Pathogenic. Last evaluated: 2022-09-03. Review status: criteria provided, single submitter. Criteria: Invitae Variant Classification Sherloc (09022015). Collection method: clinical testing. Allele origin: germline.
Comment: This variant is a gross deletion of the genomic region encompassing exon(s) 11-13 of the GFM1 gene. This deletion is out-of-frame, and is expected to create a premature termination codon and result in an absent or disrupted protein product. Loss-of-function variants in GFM1 are known to be pathogenic (PMID: 16632485, 17160893). This variant has not been reported in the literature in individuals affected with GFM1-related conditions. For these reasons, this variant has been classified as Pathogenic.

Literature cited by the submitters: PubMed 16632485; PubMed 17160893.

NC_000003.11:g.(?_158380407)_(158384185_?)del

Gene: GFM1 (G elongation factor mitochondrial 1; plus strand). Cytogenetic location: 3q25.32.
Variant type: Deletion.
Identifiers: ClinVar variation 1070156 (VCV001070156.5).